The following is an entry in ClinVar:

ClinVar aggregate classification (germline): Uncertain significance (0 of 4 stars; one submission).

Conditions:
TH-deficient dopa-responsive dystonia. Also called: Tyrosine Hydroxylase-Deficient Dopa-Responsive Dystonia; Segawa syndrome, autosomal recessive; DYT-TH. Identifiers: Orphanet 101150, MedGen C2673535, MONDO:0011551, OMIM 605407.

Submission:

Hong-Tao Li Lab, Institute of Brain Science and Brain-inspired Research, Shandong First Medical University & Shandong Academy of Medical Sciences China
Classification: Uncertain significance for TH-deficient dopa-responsive dystonia. Review status: no assertion criteria provided. Collection method: research. Allele origin: germline. Inheritance: Autosomal recessive inheritance. Affected: yes. Observed: 1 variant allele, 1 homozygote.
Comment: Observed in affected individuals from a Pakistani neurodevelopmental-disorder research cohort of 263 individuals. Classification assigned using the ACMG/AMP framework.

NM_000360.4(TH):c.793C>T (p.Arg265Trp)

Gene: TH (tyrosine hydroxylase; minus strand). Cytogenetic location: 11p15.5.
Variant type: single nucleotide variant.
Coding change: c.793C>T on transcript NM_000360.4 (MANE Select); coding-DNA position 793, C replaced by T.
Protein change: p.Arg265Trp; replaces arginine 265 with tryptophan.
Molecular consequence: missense variant. On other transcripts: intron variant (2).
Genome position (GRCh38, 1-based): chr11:2,166,935, G>A on the plus strand (C>T on the coding strand, the complement: TH is on the minus strand). VCF-style: chr11-2166935-G-A. GRCh37 (hg19) VCF-style: chr11-2188165-G-A.
Other names: c.805C>T, p.Arg269Trp (NM_001440535.1); c.886C>T, p.Arg296Trp (NM_199292.3); c.874C>T, p.Arg292Trp (NM_199293.3); c.696-386C>T (NM_001440537.1); c.708-386C>T (NM_001440536.1); short protein forms R265W, R269W, R292W, R296W.
Identifiers: ClinVar variation 4884854 (VCV004884854.1).